The following is an entry in ClinVar:

NM_130849.4(SLC39A4):c.356G>A (p.Trp119Ter)

Gene: SLC39A4 (solute carrier family 39 member 4; minus strand). Cytogenetic location: 8q24.3.
Variant type: single nucleotide variant.
Coding change: c.356G>A on transcript NM_130849.4 (MANE Select); coding-DNA position 356, G replaced by A.
Protein change: p.Trp119Ter; replaces tryptophan 119 with a stop codon.
Molecular consequence: nonsense. On other transcripts: intron variant (1).
Genome position (GRCh38, 1-based): chr8:144,415,928, C>T on the plus strand (G>A on the coding strand, the complement: SLC39A4 is on the minus strand). VCF-style: chr8-144415928-C-T. GRCh37 (hg19) VCF-style: chr8-145641312-C-T.
Other names: c.281G>A, p.Trp94Ter (NM_017767.3); c.193-509G>A (NM_001374839.1); short protein forms W119*, W94*.
Identifiers: ClinVar variation 4816467 (VCV004816467.1).

ClinVar aggregate classification (germline): Likely pathogenic (1 of 4 stars; one submission).

Conditions:
Hereditary acrodermatitis enteropathica (AEZ). Also called: Acrodermatitis enteropathica. Identifiers: Orphanet 37, MedGen C0221036, MONDO:0008713, OMIM 201100.

Submission:

Natera, Inc.
Classification: Likely pathogenic for Acrodermatitis enteropathica. Last evaluated: 2024-11-13. Review status: criteria provided, single submitter. Criteria: Natera Variant Classification Schema (03/2026). Collection method: clinical testing. Allele origin: germline.
Comment: The c.356G>A variant in SLC39A4 is a nonsense variant predicted to introduce a stop codon at amino acid 119. This variant is expected to result in nonsense mediated decay, truncation, or a dysfunctional protein product. This variant is rare in the general population with a frequency below the threshold expected for the associated phenotype(s). Given the available evidence, this variant is classified as Likely Pathogenic.